The following is an entry in ClinVar:

NM_001374353.1(GLI2):c.4282C>T (p.Leu1428Phe)

Gene: GLI2 (GLI family zinc finger 2; plus strand). Cytogenetic location: 2q14.2.
Variant type: single nucleotide variant.
Coding change: c.4282C>T on transcript NM_001374353.1 (MANE Select); coding-DNA position 4282, C replaced by T.
Protein change: p.Leu1428Phe; replaces leucine 1428 with phenylalanine.
Molecular consequence: missense variant.
Genome position (GRCh38, 1-based): chr2:120,990,247, C>T. VCF-style: chr2-120990247-C-T. GRCh37 (hg19) VCF-style: chr2-121747823-C-T.
Other names: c.4333C>T, p.Leu1445Phe (NM_001371271.1, NM_005270.5); c.3907C>T, p.Leu1303Phe (NM_001374354.1); short protein forms L1445F, L1303F, L1428F.
Identifiers: ClinVar variation 194229 (VCV000194229.48), dbSNP rs146207623, ClinGen allele CA201051.

ClinVar aggregate classification (germline): Benign/Likely benign. Review status: criteria provided, multiple submitters, no conflicts (2 of 4 stars). 9 submissions from 9 submitters: Benign (6); Likely benign (3). Last evaluated 2026-10-01.

Conditions:
Holoprosencephaly 9 (HPE9). Also called: HOLOPROSENCEPHALY WITH MICROPHTHALMIA AND FIRST BRANCHIAL ARCH ANOMALIES; PITUITARY ANOMALIES WITH HOLOPROSENCEPHALY-LIKE FEATURES. Identifiers: Orphanet 2162, MedGen C1835819, MONDO:0012563, OMIM 610829.
Postaxial polydactyly-anterior pituitary anomalies-facial dysmorphism syndrome. Also called: Culler-Jones syndrome. Identifiers: Orphanet 420584, MedGen C4014479, MONDO:0014369, OMIM 615849.

Allele frequency attached by ClinVar (database versions not stated): ESP Exome Variant Server 0.00077; gnomAD exomes 0.00377 and 0.00970; gnomAD 0.00465 and 0.00473; 1000 Genomes Project 0.00699; TOPMed 0.00770; ExAC 0.00826; 1000 Genomes Project 30x 0.00843.
gnomAD v4.1: 6,200 of 1,613,696 alleles (0.38%); highest among the groups gnomAD compares: Admixed American, 4.6%; 89 homozygotes.

Submissions (9):

CeGaT Center for Human Genetics Tuebingen
Classification: Benign. Last evaluated: 2026-10-01. Review status: criteria provided, single submitter. Criteria: CeGaT Center For Human Genetics Tuebingen Variant Classification Criteria Version 2. Collection method: clinical testing. Allele origin: germline. Affected: yes. Observed: 22 variant alleles.
Comment: GLI2: BP4, BS1, BS2

Women's Health and Genetics/Laboratory Corporation of America, LabCorp
Classification: Likely benign. Last evaluated: 2026-05-11. Review status: criteria provided, single submitter. Criteria: LabCorp Variant Classification Summary - May 2015. Collection method: clinical testing. Allele origin: germline.

ARUP Laboratories, Molecular Genetics and Genomics, ARUP Laboratories
Classification: Benign. Last evaluated: 2023-11-29. Review status: criteria provided, single submitter. Criteria: ARUP Molecular Germline Variant Investigation Process 2024. Collection method: clinical testing. Allele origin: germline.

Labcorp Genetics (formerly Invitae), Labcorp
Classification: Benign for Culler-Jones syndrome; Holoprosencephaly 9. Last evaluated: 2019-12-31. Review status: criteria provided, single submitter. Criteria: Invitae Variant Classification Sherloc (09022015). Collection method: clinical testing. Allele origin: germline.

GeneDx
Classification: Benign. Last evaluated: 2019-08-18. Review status: criteria provided, single submitter. Criteria: GeneDx Variant Classification Process June 2021. Collection method: clinical testing. Allele origin: germline. Affected: yes.
Comment: This variant is associated with the following publications: (PMID: 29891883, 24744436)

Illumina Laboratory Services, Illumina
Classification: Likely benign for Holoprosencephaly 9. Last evaluated: 2017-04-27. Review status: criteria provided, single submitter. Criteria: ICSL Variant Classification Criteria 13 December 2019. Collection method: clinical testing. Allele origin: germline.
Comment: This variant was observed as part of a predisposition screen in an ostensibly healthy population. A literature search was performed for the gene, cDNA change, and amino acid change (where applicable). Publications were found based on this search. The evidence from the literature, in combination with allele frequency data from public databases where available, was sufficient to determine this variant is unlikely to cause disease. Therefore, this variant is classified as likely benign.

Center for Pediatric Genomic Medicine, Children's Mercy Hospital and Clinics
Classification: Benign. Last evaluated: 2016-10-13. Review status: criteria provided, single submitter. Criteria: ACMG Guidelines, 2015. Collection method: clinical testing. Allele origin: germline.

Eurofins Ntd Llc (ga)
Classification: Benign. Last evaluated: 2014-07-10. Review status: criteria provided, single submitter. Criteria: EGL Classification Definitions 2015. Collection method: clinical testing. Allele origin: germline.

Breakthrough Genomics
Classification: Likely benign. Review status: criteria provided, single submitter. Criteria: ACMG Guidelines, 2015. Collection method: not provided. Allele origin: germline. Inheritance: Autosomal dominant inheritance. Affected: yes.

Literature cited by the submitters: PubMed 22967285 (cited by Illumina Laboratory Services, Illumina); PubMed 20685856 (cited by Illumina Laboratory Services, Illumina); PubMed 19223936 (cited by Illumina Laboratory Services, Illumina); PubMed 24744436 (cited by Illumina Laboratory Services, Illumina); PubMed 1756909 (cited by Illumina Laboratory Services, Illumina); PubMed 17569090 (cited by Illumina Laboratory Services, Illumina); PubMed 20685056 (cited by Illumina Laboratory Services, Illumina); PubMed 23408573 (cited by Illumina Laboratory Services, Illumina).